The following is an entry in ClinVar:

ClinVar aggregate classification (germline): Uncertain significance (1 of 4 stars; one submission).

gnomAD v4.1: 1 of 1,331,994 alleles (0.000075%); highest among the groups gnomAD compares: Admixed American, 0.003%; no homozygotes.

Submission:

Labcorp Genetics (formerly Invitae), Labcorp
Classification: Uncertain significance. Last evaluated: 2023-09-13. Review status: criteria provided, single submitter. Criteria: Invitae Variant Classification Sherloc (09022015). Collection method: clinical testing. Allele origin: germline.
Comment: This sequence change replaces glutamine, which is neutral and polar, with histidine, which is basic and polar, at codon 820 of the LTBP2 protein (p.Gln820His). This variant is not present in population databases (gnomAD no frequency). In summary, the available evidence is currently insufficient to determine the role of this variant in disease. Therefore, it has been classified as a Variant of Uncertain Significance. An algorithm developed to predict the effect of missense changes on protein structure and function (PolyPhen-2) suggests that this variant is likely to be disruptive. ClinVar contains an entry for this variant (Variation ID: 1375661). This variant has not been reported in the literature in individuals affected with LTBP2-related conditions.

NM_000428.3(LTBP2):c.2460G>T (p.Gln820His)

Gene: LTBP2 (latent transforming growth factor beta binding protein 2; minus strand). Cytogenetic location: 14q24.3.
Variant type: single nucleotide variant.
Coding change: c.2460G>T on transcript NM_000428.3 (MANE Select); coding-DNA position 2460, G replaced by T.
Protein change: p.Gln820His; replaces glutamine 820 with histidine.
Molecular consequence: missense variant.
Genome position (GRCh38, 1-based): chr14:74,525,194, C>A on the plus strand (G>T on the coding strand, the complement: LTBP2 is on the minus strand). VCF-style: chr14-74525194-C-A. GRCh37 (hg19) VCF-style: chr14-74991897-C-A.
Other names: short protein forms Q820H.
Identifiers: ClinVar variation 1375661 (VCV001375661.6), dbSNP rs2139714373, ClinGen allele CA390392822.